The following is an entry in ClinVar:

NM_001853.4(COL9A3):c.1369-3C>T

Genes: COL9A3 (collagen type IX alpha 3 chain; plus strand), LOC126863084 (MED14-independent group 3 enhancer GRCh37_chr20:61467141-61468340; plus strand). Cytogenetic location: 20q13.33.
Variant type: single nucleotide variant.
Coding change: c.1369-3C>T on transcript NM_001853.4 (MANE Select); 3 bases into the intron before coding-DNA position 1369, C replaced by T.
Molecular consequence: intron variant.
Genome position (GRCh38, 1-based): chr20:62,835,918, C>T. VCF-style: chr20-62835918-C-T. GRCh37 (hg19) VCF-style: chr20-61467270-C-T.
Other names: c.1369-3C>T (LRG_1253t1).
Identifiers: ClinVar variation 2986785 (VCV002986785.3), dbSNP rs886056910, ClinGen allele CA10652769.

ClinVar aggregate classification (germline): Uncertain significance (1 of 4 stars; one submission).

Allele frequency attached by ClinVar (database versions not stated): TOPMed below 0.00001; gnomAD exomes 0.00001.
gnomAD v4.1: 6 of 1,614,232 alleles (0.00037%); highest among the groups gnomAD compares: Non-Finnish European, 0.00051%; no homozygotes.

Submission:

Labcorp Genetics (formerly Invitae), Labcorp
Classification: Uncertain significance. Last evaluated: 2024-10-13. Review status: criteria provided, single submitter. Criteria: Invitae Variant Classification Sherloc (09022015). Collection method: clinical testing. Allele origin: germline.
Comment: This sequence change falls in intron 26 of the COL9A3 gene. It does not directly change the encoded amino acid sequence of the COL9A3 protein. It affects a nucleotide within the consensus splice site. This variant is present in population databases (no rsID available, gnomAD 0.003%). This variant has not been reported in the literature in individuals affected with COL9A3-related conditions. Variants that disrupt the consensus splice site are a relatively common cause of aberrant splicing (PMID: 17576681, 9536098). Algorithms developed to predict the effect of sequence changes on RNA splicing suggest that this variant is not likely to affect RNA splicing. In summary, the available evidence is currently insufficient to determine the role of this variant in disease. Therefore, it has been classified as a Variant of Uncertain Significance.

Literature cited by the submitters: PubMed 17576681; PubMed 9536098.